The following is an entry in ClinVar:

ClinVar aggregate classification (germline): Likely benign (1 of 4 stars; one submission).

Submission:

CeGaT Center for Human Genetics Tuebingen
Classification: Likely benign. Last evaluated: 2026-01-01. Review status: criteria provided, single submitter. Criteria: CeGaT Center For Human Genetics Tuebingen Variant Classification Criteria Version 2. Collection method: clinical testing. Allele origin: germline. Affected: yes. Observed: 1 variant allele.
Comment: ZSWIM6: PM2:Supporting, BP4, BP7

NM_020928.2(ZSWIM6):c.75G>T (p.Gly25=)

Gene: ZSWIM6 (zinc finger SWIM-type containing 6; plus strand). Cytogenetic location: 5q12.1.
Variant type: single nucleotide variant.
Coding change: c.75G>T on transcript NM_020928.2 (MANE Select); coding-DNA position 75, G replaced by T.
Protein change: p.Gly25=; no amino-acid change (glycine 25 retained).
Molecular consequence: synonymous variant.
Genome position (GRCh38, 1-based): chr5:61,332,347, G>T. VCF-style: chr5-61332347-G-T. GRCh37 (hg19) VCF-style: chr5-60628174-G-T.
Identifiers: ClinVar variation 4823030 (VCV004823030.4).
Genomic context (GRCh38, chr5:61,332,347, plus strand): 5'-ACAGCAGCCTCCTCCCGCGAAACGGCTTTGCTGCCGGCCGGGCGGCGGCGGCGGCGGCGG[G>T]GGCAGCAGCGGCGGCGGCGGCGGCGCGGGTGGCGGCTACAGCTCTGCCTGTCGGCCAGGC-3'
Protein context (NP_065979.1, residues 15-35): CCRPGGGGGG[Gly25=]GSSGGGGGAG